The following is an entry in ClinVar:

ClinVar aggregate classification (germline): Uncertain significance (0 of 4 stars; one submission).

Conditions:
PLXNA3-related disorder. Also called: PLXNA3-related condition.

gnomAD v4.1: 3 of 1,203,923 alleles (0.00025%); highest among the groups gnomAD compares: Non-Finnish European, 0.00034%; no homozygotes.

Submission:

PreventionGenetics, part of Exact Sciences
Classification: Uncertain significance for PLXNA3-related condition. Last evaluated: 2024-06-25. Review status: no assertion criteria provided. Collection method: clinical testing. Allele origin: germline.
Comment: The PLXNA3 c.3971C>G variant is predicted to result in the amino acid substitution p.Pro1324Arg. To our knowledge, this variant has not been reported in the literature or in a large population database, indicating this variant is rare. At this time, the clinical significance of this variant is uncertain due to the absence of conclusive functional and genetic evidence.

NM_017514.5(PLXNA3):c.3971C>G (p.Pro1324Arg)

Gene: PLXNA3 (plexin A3; plus strand). Cytogenetic location: Xq28.
Variant type: single nucleotide variant.
Coding change: c.3971C>G on transcript NM_017514.5 (MANE Select); coding-DNA position 3971, C replaced by G.
Protein change: p.Pro1324Arg; replaces proline 1324 with arginine.
Molecular consequence: missense variant.
Genome position (GRCh38, 1-based): chrX:154,468,310, C>G. VCF-style: chrX-154468310-C-G. GRCh37 (hg19) VCF-style: chrX-153696653-C-G.
Other names: short protein forms P1324R.
Identifiers: ClinVar variation 3346962 (VCV003346962.1).
Genomic context (GRCh38, chrX:154,468,310, plus strand): 5'-CACCATTCCCTTCAGGGCCGCCCCCACCCTCTGAGACCTCCTGCTCCCCACAGACGCCAC[C>G]CAACGTGGAGAAGGCCCTGCGCCTCTTCGGGCAGCTGCTGCACAGCCGCGCGTTCGTGCT-3'
Protein context (NP_059984.3, residues 1314-1334): HPVLKELDTP[Pro1324Arg]NVEKALRLFG